The following is an entry in ClinVar:

ClinVar aggregate classification (germline): Uncertain significance. Review status: criteria provided, multiple submitters, no conflicts (2 of 4 stars). 2 submissions from 2 submitters: Uncertain significance (2). Last evaluated 2022-02-25.

Conditions:
PHARC syndrome. Also called: Polyneuropathy-hearing loss-ataxia-retinitis pigmentosa-cataract syndrome. Identifiers: Orphanet 171848, MedGen C2675204, MONDO:0012984, OMIM 612674.

Submissions (2):

Revvity Omics, Revvity
Classification: Uncertain significance for PHARC syndrome. Last evaluated: 2022-02-25. Review status: criteria provided, single submitter. Criteria: ACMG Guidelines, 2015. Collection method: clinical testing. Allele origin: germline.

Labcorp Genetics (formerly Invitae), Labcorp
Classification: Uncertain significance. Last evaluated: 2020-07-21. Review status: criteria provided, single submitter. Criteria: Invitae Variant Classification Sherloc (09022015). Collection method: clinical testing. Allele origin: germline.
Comment: This variant has not been reported in the literature in individuals with ABHD12-related conditions. This sequence change replaces glycine with valine at codon 207 of the ABHD12 protein (p.Gly207Val). The glycine residue is highly conserved and there is a moderate physicochemical difference between glycine and valine. This variant is not present in population databases (ExAC no frequency). Algorithms developed to predict the effect of missense changes on protein structure and function are either unavailable or do not agree on the potential impact of this missense change (SIFT: "Deleterious"; PolyPhen-2: "Probably Damaging"; Align-GVGD: "Class C0"). In summary, the available evidence is currently insufficient to determine the role of this variant in disease. Therefore, it has been classified as a Variant of Uncertain Significance.

NM_001042472.3(ABHD12):c.620G>T (p.Gly207Val)

Genes: ABHD12 (abhydrolase domain containing 12, lysophospholipase; minus strand), LOC126863008 (CDK7 strongly-dependent group 2 enhancer GRCh37_chr20:25289826-25291025; plus strand). Cytogenetic location: 20p11.21.
Variant type: single nucleotide variant.
Coding change: c.620G>T on transcript NM_001042472.3 (MANE Select); coding-DNA position 620, G replaced by T.
Protein change: p.Gly207Val; replaces glycine 207 with valine.
Molecular consequence: missense variant.
Genome position (GRCh38, 1-based): chr20:25,309,575, C>A on the plus strand (G>T on the coding strand, the complement: ABHD12 is on the minus strand). VCF-style: chr20-25309575-C-A. GRCh37 (hg19) VCF-style: chr20-25290211-C-A.
Other names: c.620G>T, p.Gly207Val (NM_015600.5); short protein forms G207V.
Identifiers: ClinVar variation 1057037 (VCV001057037.11), dbSNP rs2145936237, ClinGen allele CA408456329.
Genomic context (GRCh38, chr20:25,309,575, plus strand): 5'-ACGTGGAGTGCGTCATAGGTCATGCCCCGCTCAGATGGCGTTCCCACTGAGTCACCCCAA[C>A]CTGGGAGGGAGAAACGGCAGGACGGGGAGGTCAAAGGCAGCTCACAAAACCTGGACAAAC-3'
Protein context (NP_001035937.1, residues 197-217): GYHVVTFDYR[Gly207Val]WGDSVGTPSE